The following is an entry in ClinVar:

ClinVar aggregate classification (germline): Conflicting classifications of pathogenicity. Review status: criteria provided, conflicting classifications (1 of 4 stars). 2 submissions from 2 submitters: Likely pathogenic (1); Uncertain significance (1). Last evaluated 2026-01-26.

Conditions:
Cardiomyopathy (CMYO). Also called: Cardiomyopathies. Identifiers: Orphanet 167848, MedGen C0878544, MONDO:0004994, HP:0001638. Inheritance: Various modes of inheritance.
Cardiovascular phenotype. Identifiers: MedGen CN230736.

Submissions (2):

Women's Health and Genetics/Laboratory Corporation of America, LabCorp
Classification: Likely pathogenic for Cardiomyopathy. Last evaluated: 2026-01-26. Review status: criteria provided, single submitter. Criteria: LabCorp Variant Classification Summary - May 2015. Collection method: clinical testing. Allele origin: germline.
Comment: Variant summary: MYBPC3 c.505+1_505+4delinsCT is located in a canonical splice-site and is predicted to affect mRNA splicing resulting in a significantly altered protein due to either exon skipping, shortening, or inclusion of intronic material. Variants that disrupt the consensus splice site are a relatively common cause of aberrant splicing and loss of MYBPC3 function. Several computational tools predict a significant impact on normal splicing: Four predict the variant abolishes a 5' splicing donor site. However, these predictions have yet to be confirmed by functional studies. The frequency data for this variant in gnomAD is considered unreliable, as metrics indicate poor data quality at this position. To our knowledge, no occurrence of c.505+1_505+4delinsCT in individuals affected with MYBPC3-related conditions and no experimental evidence demonstrating its impact on protein function have been reported. ClinVar contains an entry for this variant (Variation ID: 3400422). Based on the evidence outlined above, the variant was classified as likely pathogenic.

Ambry Genetics
Classification: Uncertain significance for Cardiovascular phenotype. Last evaluated: 2024-10-15. Review status: criteria provided, single submitter. Criteria: Ambry Variant Classification Scheme 2023. Collection method: clinical testing. Allele origin: germline.
Comment: The c.505+1_505+4delGTGAinsCT intronic variant, located in intron 4 of the MYBPC3 gene, results from an in-frame from the deletion of 4 nucleotides and the insertion of two nucleotides at nucleotide position 505. Alterations that disrupt the canonical splice site are expected to result in aberrant splicing. In silico splice site analysis predicts that this alteration will weaken the native splice donor site and will result in the creation or strengthening of a novel splice donor site. The resulting transcript is predicted to be in-frame and is not expected to trigger nonsense-mediated mRNAdecay; however, direct evidence is unavailable. The exact functional effect of the altered amino acid sequence is unknown. This nucleotide positions are well conserved in available vertebrate species. Based on the available evidence, the clinical significance of this variant remains unclear.

NM_000256.3(MYBPC3):c.505+1_505+4delinsCT

Gene: MYBPC3 (myosin binding protein C3; minus strand). Cytogenetic location: 11p11.2.
Variant type: Indel.
Coding change: c.505+1_505+4delinsCT on transcript NM_000256.3 (MANE Select); the canonical splice donor site of the intron after coding-DNA position 505 through 4 bases into the intron after coding-DNA position 505, GTGA replaced by CT.
Molecular consequence: splice donor variant.
Genome position (GRCh38, 1-based): chr11:47,350,010-47,350,013, TCAC replaced by AG on the plus strand (GTGA replaced by CT on the coding strand, the reverse complement: MYBPC3 is on the minus strand). VCF-style: chr11-47350010-TCAC-AG. GRCh37 (hg19) VCF-style: chr11-47371561-TCAC-AG.
Other names: c.505+1_505+4delGTGAinsCT (NM_000256.3).
Identifiers: ClinVar variation 3400422 (VCV003400422.2).
Genomic context (GRCh38, chr11:47,350,010, plus strand): 5'-CTTGGGGAGTGTCCTGCTGCCCCCCCTTCCCACCCCAATGCTGGGCACAGCAGCTCACAC[TCAC>AG]CCACGGTCACCTCGCCATCCTGTGGCCGCATCACGAAGAGGCCAATGGGGTCATCGGGGG-3'